The following is an entry in ClinVar:

NM_138691.3(TMC1):c.1312G>A (p.Ala438Thr)

Gene: TMC1 (transmembrane channel like 1; plus strand). Cytogenetic location: 9q21.13.
Variant type: single nucleotide variant.
Coding change: c.1312G>A on transcript NM_138691.3 (MANE Select); coding-DNA position 1312, G replaced by A.
Protein change: p.Ala438Thr; replaces alanine 438 with threonine.
Molecular consequence: missense variant.
Genome position (GRCh38, 1-based): chr9:72,791,973, G>A. VCF-style: chr9-72791973-G-A. GRCh37 (hg19) VCF-style: chr9-75406889-G-A.
Other names: short protein forms A438T.
Identifiers: ClinVar variation 1303251 (VCV001303251.10), dbSNP rs745495139, ClinGen allele CA5081924.
Genomic context (GRCh38, chr9:72,791,973, plus strand): 5'-ATGTTCTGTCCAACATTGTTTGACTTATTTGCTGAATTAGAAGACTACCATCCTCTCATC[G>A]CTTTGAAATGGCTACTGGGACGCATTTTTGCTCTTCTTTTAGGCAATTTATACGTATTTA-3'
Protein context (NP_619636.2, residues 428-448): AELEDYHPLI[Ala438Thr]LKWLLGRIFA

ClinVar aggregate classification (germline): Uncertain significance. Review status: criteria provided, multiple submitters, no conflicts (2 of 4 stars). 5 submissions from 5 submitters: Uncertain significance (5). Last evaluated 2026-08-11.

Conditions:
Autosomal dominant nonsyndromic hearing loss 36. Identifiers: Orphanet 90635, MedGen C1847626, MONDO:0011708, OMIM 606705.
TMC1-related disorder. Also called: TMC1-related condition; TMC1-related disorders.

Allele frequency attached by ClinVar (database versions not stated): ExAC 0.00002; gnomAD 0.00002; gnomAD exomes 0.00002 and 0.00004; TOPMed 0.00002.
gnomAD v4.1: 32 of 1,613,824 alleles (0.002%); highest among the groups gnomAD compares: African/African-American, 0.0093%; no homozygotes.

Submissions (5):

GeneDx
Classification: Uncertain significance. Last evaluated: 2026-08-11. Review status: criteria provided, single submitter. Criteria: GeneDx Variant Classification Process June 2021. Collection method: clinical testing. Allele origin: germline.
Comment: Observed in trans with another TMC1 variant in affected members of a family with hearing loss in published literature (PMID: 26011067); In silico analysis suggests that this missense variant does not alter protein structure/function; This variant is associated with the following publications: (PMID: 29692870, 37217689, 26011067)

PreventionGenetics, part of Exact Sciences
Classification: Uncertain significance for TMC1-related condition. Last evaluated: 2026-04-20. Review status: criteria provided, single submitter. Criteria: ACMG Guidelines, 2015. Collection method: clinical testing. Allele origin: germline.
Comment: The TMC1 c.1312G>A variant is predicted to result in the amino acid substitution p.Ala438Thr. This variant was reported in the heterozygous state along with a second potentially causative variant in two siblings with hearing loss (Chen et al. 2015. PubMed ID: 26011067; Chen et al. 2018. PubMed ID: 29692870). This variant is reported in 0.010% of alleles in individuals of East Asian descent in gnomAD. At this time, the clinical significance of this variant is uncertain due to the absence of conclusive functional and genetic evidence.

CeGaT Center for Human Genetics Tuebingen
Classification: Uncertain significance. Last evaluated: 2026-03-01. Review status: criteria provided, single submitter. Criteria: CeGaT Center For Human Genetics Tuebingen Variant Classification Criteria Version 2. Collection method: clinical testing. Allele origin: germline. Affected: yes. Observed: 1 variant allele.
Comment: TMC1: PM2

Laboratorio de Genetica e Diagnostico Molecular, Hospital Israelita Albert Einstein
Classification: Uncertain significance for Autosomal dominant nonsyndromic hearing loss 36. Last evaluated: 2022-09-28. Review status: criteria provided, single submitter. Criteria: ACMG Guidelines, 2015. Collection method: clinical testing. Allele origin: germline. Affected: yes.
Comment: ACMG classification criteria: PS4 supporting, PM2 supporting, BP4 supporting

Labcorp Genetics (formerly Invitae), Labcorp
Classification: Uncertain significance. Last evaluated: 2022-09-19. Review status: criteria provided, single submitter. Criteria: Invitae Variant Classification Sherloc (09022015). Collection method: clinical testing. Allele origin: germline.
Comment: This sequence change replaces alanine, which is neutral and non-polar, with threonine, which is neutral and polar, at codon 438 of the TMC1 protein (p.Ala438Thr). The frequency data for this variant in the population databases is considered unreliable, as metrics indicate poor data quality at this position in the gnomAD database. This missense change has been observed in individual(s) with autosomal recessive deafness (PMID: 26011067). It has also been observed to segregate with disease in related individuals. ClinVar contains an entry for this variant (Variation ID: 1303251). Algorithms developed to predict the effect of missense changes on protein structure and function (SIFT, PolyPhen-2, Align-GVGD) all suggest that this variant is likely to be tolerated. In summary, the available evidence is currently insufficient to determine the role of this variant in disease. Therefore, it has been classified as a Variant of Uncertain Significance.

Literature cited by the submitters: PubMed 26011067 (cited by Labcorp Genetics (formerly Invitae), Labcorp).